The following is an entry in ClinVar:

NM_201596.3(CACNB2):c.1138C>T (p.His380Tyr)

Gene: CACNB2 (calcium voltage-gated channel auxiliary subunit beta 2; plus strand). Cytogenetic location: 10p12.31.
Variant type: single nucleotide variant.
Coding change: c.1138C>T on transcript NM_201596.3 (MANE Select); coding-DNA position 1138, C replaced by T.
Protein change: p.His380Tyr; replaces histidine 380 with tyrosine.
Molecular consequence: missense variant.
Genome position (GRCh38, 1-based): chr10:18,534,159, C>T. VCF-style: chr10-18534159-C-T. GRCh37 (hg19) VCF-style: chr10-18823088-C-T.
Other names: c.973C>T, p.His325Tyr (NM_000724.4); c.940C>T, p.His314Tyr (NM_001167945.2); c.859C>T, p.His287Tyr (NM_001330060.2); c.994C>T, p.His332Tyr (NM_201570.3); c.1054C>T, p.His352Tyr (NM_201571.4); c.982C>T, p.His328Tyr (NM_201572.4); c.976C>T, p.His326Tyr (NM_201590.3); c.1024C>T, p.His342Tyr (NM_201593.3); and 2 more; short protein forms H287Y, H314Y, H325Y, H326Y, H328Y, H332Y, H342Y, H352Y.
Identifiers: ClinVar variation 1010163 (VCV001010163.6), dbSNP rs935123934, ClinGen allele CA376067888.

ClinVar aggregate classification (germline): Uncertain significance. Review status: criteria provided, multiple submitters, no conflicts (2 of 4 stars). 2 submissions from 2 submitters: Uncertain significance (2). Last evaluated 2023-01-18.

Conditions:
Cardiovascular phenotype. Identifiers: MedGen CN230736.
Brugada syndrome 4 (BRGDA4). Identifiers: Orphanet 130, MedGen C2678477, MONDO:0012743, OMIM 611876.

Allele frequency attached by ClinVar (database versions not stated): gnomAD exomes below 0.00001; TOPMed 0.00001.
gnomAD v4.1: 8 of 1,613,490 alleles (0.0005%); highest among the groups gnomAD compares: Non-Finnish European, 0.00068%; no homozygotes.

Submissions (2):

Ambry Genetics
Classification: Uncertain significance for Cardiovascular phenotype. Last evaluated: 2023-01-18. Review status: criteria provided, single submitter. Criteria: Ambry Variant Classification Scheme 2023. Collection method: clinical testing. Allele origin: germline.
Comment: The p.H326Y variant (also known as c.976C>T), located in coding exon 10 of the CACNB2 gene, results from a C to T substitution at nucleotide position 976. The histidine at codon 326 is replaced by tyrosine, an amino acid with similar properties. This amino acid position is conserved. In addition, the in silico prediction for this alteration is inconclusive. Since supporting evidence is limited at this time, the clinical significance of this alteration remains unclear.

Labcorp Genetics (formerly Invitae), Labcorp
Classification: Uncertain significance for Brugada syndrome 4. Last evaluated: 2021-08-25. Review status: criteria provided, single submitter. Criteria: Invitae Variant Classification Sherloc (09022015). Collection method: clinical testing. Allele origin: germline.
Comment: This sequence change replaces histidine with tyrosine at codon 326 of the CACNB2 protein (p.His326Tyr). The histidine residue is highly conserved and there is a moderate physicochemical difference between histidine and tyrosine. This variant is not present in population databases (ExAC no frequency). This variant has not been reported in the literature in individuals affected with CACNB2-related conditions. Algorithms developed to predict the effect of missense changes on protein structure and function (SIFT, PolyPhen-2, Align-GVGD) all suggest that this variant is likely to be disruptive. In summary, the available evidence is currently insufficient to determine the role of this variant in disease. Therefore, it has been classified as a Variant of Uncertain Significance.